The following is an entry in ClinVar:

NM_004667.6(HERC2):c.2643C>T (p.Thr881=)

Gene: HERC2 (HECT and RLD domain containing E3 ubiquitin protein ligase 2; minus strand). Cytogenetic location: 15q13.1.
Variant type: single nucleotide variant.
Coding change: c.2643C>T on transcript NM_004667.6 (MANE Select); coding-DNA position 2643, C replaced by T.
Protein change: p.Thr881=; no amino-acid change (threonine 881 retained).
Molecular consequence: synonymous variant.
Genome position (GRCh38, 1-based): chr15:28,256,192, G>A on the plus strand (C>T on the coding strand, the complement: HERC2 is on the minus strand). VCF-style: chr15-28256192-G-A. GRCh37 (hg19) VCF-style: chr15-28501338-G-A.
Identifiers: ClinVar variation 2645075 (VCV002645075.24), dbSNP rs183596087, ClinGen allele CA7443144.

ClinVar aggregate classification (germline): Likely benign (1 of 4 stars; one submission).

Allele frequency attached by ClinVar (database versions not stated): ExAC 0.00014; TOPMed 0.00014; ESP Exome Variant Server 0.00008; gnomAD 0.00016; 1000 Genomes Project 0.00020; 1000 Genomes Project 30x 0.00031.
gnomAD v4.1: 436 of 1,601,256 alleles (0.027%); highest among the groups gnomAD compares: Non-Finnish European, 0.032%; no homozygotes.

Submission:

CeGaT Center for Human Genetics Tuebingen
Classification: Likely benign. Last evaluated: 2025-09-01. Review status: criteria provided, single submitter. Criteria: CeGaT Center For Human Genetics Tuebingen Variant Classification Criteria Version 2. Collection method: clinical testing. Allele origin: germline. Affected: yes. Observed: 4 variant alleles.
Comment: HERC2: BP4, BP7